The following is an entry in ClinVar:

NM_001145418.2(TTC28):c.1729dup (p.Tyr577fs)

Gene: TTC28 (tetratricopeptide repeat domain 28; minus strand). Cytogenetic location: 22q12.1.
Variant type: Duplication.
Coding change: c.1729dup on transcript NM_001145418.2 (MANE Select); coding-DNA position 1729, one base duplicated (T; older notation c.1729dupT).
Protein change: p.Tyr577fs; shifts the reading frame from tyrosine 577.
Molecular consequence: frameshift variant.
Genome position (GRCh38, 1-based): chr22:28,108,116, A duplicated on the plus strand (T on the coding strand, the reverse complement: TTC28 is on the minus strand). VCF-style (leftmost placement, unchanged base first): chr22-28108115-T-TA. GRCh37 (hg19) VCF-style: chr22-28504103-T-TA.
Other names: c.1729dup, p.Tyr577fs (NM_001393403.1); c.1375dup, p.Tyr459fs (NM_001393404.1, NM_001393405.1); short protein forms Y459fs, Y577fs.
Identifiers: ClinVar variation 2635079 (VCV002635079.1), dbSNP rs2518069057, ClinGen allele CA2695200088.

ClinVar aggregate classification (germline): Uncertain significance (1 of 4 stars; one submission).

Conditions:
TTC28-related disorder. Also called: TTC28-related condition.

Submission:

PreventionGenetics, part of Exact Sciences
Classification: Uncertain significance for TTC28-related condition. Last evaluated: 2022-11-11. Review status: criteria provided, single submitter. Criteria: ACMG Guidelines, 2015. Collection method: clinical testing. Allele origin: germline.
Comment: The TTC28 c.1729dupT variant is predicted to result in a frameshift and premature protein termination (p.Tyr577Leufs*42). To our knowledge, this variant has not been reported in the literature or in a large population database, indicating this variant is rare. Loss-of-function has not been established as a disease mechanism for this gene, and therefore the clinical significance of this variant is currently uncertain due to the absence of conclusive functional and genetic evidence.